The following is an entry in ClinVar:

ClinVar aggregate classification (germline): Pathogenic/Likely pathogenic. Review status: criteria provided, multiple submitters, no conflicts (2 of 4 stars). 5 submissions from 5 submitters: Pathogenic (3); Likely pathogenic (1). 1 of the submissions does not count toward it. Last evaluated 2026-02-06.

Conditions:
Encephalopathy, lethal, due to defective mitochondrial peroxisomal fission 1. Also called: Lethal Encephalopathy Due To Defective Mitochondrial Peroxisomal Fission. Identifiers: Orphanet 330050, MedGen C3280660, MONDO:0013726, OMIM 614388.

Submissions (5):

Women's Health and Genetics/Laboratory Corporation of America, LabCorp
Classification: Pathogenic for Encephalopathy, lethal, due to defective mitochondrial peroxisomal fission 1. Last evaluated: 2026-02-06. Review status: criteria provided, single submitter. Criteria: LabCorp Variant Classification Summary - May 2015. Collection method: clinical testing. Allele origin: germline.
Comment: Variant summary: DNM1L c.346_347delGA (p.Glu116LysfsX6) results in a premature termination codon, predicted to cause a truncation of the encoded protein or absence of the protein due to nonsense mediated decay, which are commonly known mechanisms for disease. The variant allele was found at a frequency of 4.4e-05 in 249612 control chromosomes. This frequency is not significantly higher than estimated for disease-causing variants in DNM1L, allowing no conclusion about variant significance. c.346_347delGA has been observed in compound heterozygous individuals affected with Encephalopathy, Lethal, Due To Defective Mitochondrial Peroxisomal Fission 1, Autosomal Recessive (e.g. Yoon_2016). These data indicate that the variant may be associated with disease. To our knowledge, no experimental evidence demonstrating an impact on protein function has been reported. ClinVar contains an entry for this variant (Variation ID: 253264). Based on the evidence outlined above, the variant was classified as pathogenic.

Labcorp Genetics (formerly Invitae), Labcorp
Classification: Pathogenic. Last evaluated: 2025-05-22. Review status: criteria provided, single submitter. Criteria: Invitae Variant Classification Sherloc (09022015). Collection method: clinical testing. Allele origin: germline.
Comment: This sequence change creates a premature translational stop signal (p.Glu116Lysfs*6) in the DNM1L gene. It is expected to result in an absent or disrupted protein product. Loss-of-function variants in DNM1L are known to be pathogenic (PMID: 26825290, 27328748). This variant is present in population databases (rs779230636, gnomAD 0.009%). This premature translational stop signal has been observed in individuals with autosomal recessive encephalopathy (PMID: 26825290, 27328748). It has also been observed to segregate with disease in related individuals. This variant is also known as NM_001278464.1:c.385_386del (p.Glu129Lys*6). ClinVar contains an entry for this variant (Variation ID: 253264). For these reasons, this variant has been classified as Pathogenic.

GeneDx
Classification: Pathogenic. Last evaluated: 2024-02-20. Review status: criteria provided, single submitter. Criteria: GeneDx Variant Classification Process June 2021. Collection method: clinical testing. Allele origin: germline. Affected: yes.
Comment: Frameshift variant predicted to result in protein truncation or nonsense mediated decay in a gene for which loss of function is a known mechanism of disease; This variant is associated with the following publications: (PMID: 26825290, 33742459, 35982159, 35562572, 34573276, 29877124, 33718295, 35741050, 27328748)

Laboratory of Medical Genetics, National & Kapodistrian University of Athens
Classification: Likely pathogenic for Encephalopathy, lethal, due to defective mitochondrial peroxisomal fission 1. Last evaluated: 2021-10-06. Review status: criteria provided, single submitter. Criteria: ACMG Guidelines, 2015. Collection method: clinical testing. Allele origin: maternal. Inheritance: Autosomal dominant inheritance.
Comment: PVS1, PM2 Loss-of-function variants in DNM1L are known to be pathogenic (PMID: 26825290, 27328748). This variant is associated with the following publications: (PMID: 26825290, 33742459).

OMIM
Classification: Pathogenic for ENCEPHALOPATHY DUE TO DEFECTIVE MITOCHONDRIAL AND PEROXISOMAL FISSION 1, AUTOSOMAL RECESSIVE. Last evaluated: 2016-08-25. Review status: no assertion criteria provided. Collection method: literature only. Allele origin: germline. Not counted in ClinVar's aggregate classification.

Literature cited by the submitters: PubMed 26825290 (cited by 3 submitters); PubMed 27328748 (cited by Labcorp Genetics (formerly Invitae), Labcorp and OMIM).

NM_012062.5(DNM1L):c.346_347del (p.Glu116fs)

Gene: DNM1L (dynamin 1 like; plus strand). Cytogenetic location: 12p11.21.
Variant type: Deletion.
Coding change: c.346_347del on transcript NM_012062.5 (MANE Select); coding-DNA positions 346 to 347, 2 bases deleted (GA; older notation c.346_347delGA).
Protein change: p.Glu116fs; shifts the reading frame from glutamic acid 116.
Molecular consequence: frameshift variant. On other transcripts: intron variant (1).
Genome position (GRCh38, 1-based): chr12:32,708,201-32,708,202, GA deleted; deleting any 2 consecutive bases within chr12:32,708,200-32,708,202 gives the same sequence; the c. name uses the placement nearest the transcript's 3' end. VCF-style (leftmost placement, unchanged base first): chr12-32708199-CAG-C. GRCh37 (hg19) VCF-style: chr12-32861133-CAG-C.
Other names: c.346_347del, p.Glu116fs (NM_001278463.2, NM_005690.5, NM_012063.4); c.385_386del, p.Glu129fs (NM_001278464.2, NM_001278465.2, NM_001330380.2); c.131+788_131+789del (NM_001278466.2); c.346_347del (NM_012062.3); c.346_347delGA (NM_012062.5); short protein forms E129fs, E116fs.
Identifiers: ClinVar variation 253264 (VCV000253264.10), dbSNP rs879255687, ClinGen allele CA6507318.
Genomic context (GRCh38, chr12:32,708,199, plus strand): 5'-TCAAAAATTTTTAGCTTTACACGGATTTTGATGAAATTCGACAAGAAATTGAAAATGAAA[CAG>C]AAAGAATTTCAGGAAATAATAAGGTAGGCATCTTTTTAGAGCTAGAAGGCATAAGCATCA-3'